The following is an entry in ClinVar:

NM_000540.3(RYR1):c.5817G>T (p.Met1939Ile)

Gene: RYR1 (ryanodine receptor 1; plus strand). Cytogenetic location: 19q13.2.
Variant type: single nucleotide variant.
Coding change: c.5817G>T on transcript NM_000540.3 (MANE Select); coding-DNA position 5817, G replaced by T.
Protein change: p.Met1939Ile; replaces methionine 1939 with isoleucine.
Molecular consequence: missense variant.
Genome position (GRCh38, 1-based): chr19:38,490,078, G>T. VCF-style: chr19-38490078-G-T. GRCh37 (hg19) VCF-style: chr19-38980718-G-T.
Other names: c.5817G>T, p.Met1939Ile (NM_001042723.2); short protein forms M1939I.
Identifiers: ClinVar variation 2123026 (VCV002123026.4), dbSNP rs2514251188, ClinGen allele CA405660260.

ClinVar aggregate classification (germline): Uncertain significance (1 of 4 stars; one submission).

Conditions:
RYR1-related disorder. Also called: RYR1-related condition; RYR1-related disorders. Identifiers: MedGen CN239331.

Submission:

Labcorp Genetics (formerly Invitae), Labcorp
Classification: Uncertain significance for RYR1-related disorder. Last evaluated: 2022-12-02. Review status: criteria provided, single submitter. Criteria: Invitae Variant Classification Sherloc (09022015). Collection method: clinical testing. Allele origin: germline.
Comment: This variant is not present in population databases (gnomAD no frequency). In summary, the available evidence is currently insufficient to determine the role of this variant in disease. Therefore, it has been classified as a Variant of Uncertain Significance. Algorithms developed to predict the effect of missense changes on protein structure and function are either unavailable or do not agree on the potential impact of this missense change (SIFT: "Deleterious"; PolyPhen-2: "Benign"; Align-GVGD: "Class C0"). This variant has not been reported in the literature in individuals affected with RYR1-related conditions. This sequence change replaces methionine, which is neutral and non-polar, with isoleucine, which is neutral and non-polar, at codon 1939 of the RYR1 protein (p.Met1939Ile).